The following is an entry in ClinVar:

NM_058004.4(PI4KA):c.5172C>G (p.Ser1724=)

Gene: PI4KA (phosphatidylinositol 4-kinase alpha; minus strand). Cytogenetic location: 22q11.21.
Variant type: single nucleotide variant.
Coding change: c.5172C>G on transcript NM_058004.4 (MANE Select); coding-DNA position 5172, C replaced by G.
Protein change: p.Ser1724=; no amino-acid change (serine 1724 retained).
Molecular consequence: synonymous variant.
Genome position (GRCh38, 1-based): chr22:20,718,767, G>C on the plus strand (C>G on the coding strand, the complement: PI4KA is on the minus strand). VCF-style: chr22-20718767-G-C. GRCh37 (hg19) VCF-style: chr22-21073055-G-C.
Other names: c.5079C>G, p.Ser1693= (NM_001362862.2); c.5106C>G, p.Ser1702= (NM_001362863.2).
Identifiers: ClinVar variation 2652907 (VCV002652907.24), dbSNP rs530508978, ClinGen allele CA10114790.

ClinVar aggregate classification (germline): Likely benign (1 of 4 stars; one submission).

Allele frequency attached by ClinVar (database versions not stated): 1000 Genomes Project 30x 0.00031; 1000 Genomes Project 0.00419.

Submission:

CeGaT Center for Human Genetics Tuebingen
Classification: Likely benign. Last evaluated: 2022-09-01. Review status: criteria provided, single submitter. Criteria: CeGaT Center For Human Genetics Tuebingen Variant Classification Criteria Version 2. Collection method: clinical testing. Allele origin: germline. Affected: yes. Observed: 1 variant allele.
Comment: PI4KA: BP4, BP7